The following is an entry in ClinVar:

NM_000268.4(NF2):c.1249A>G (p.Ile417Val)

Gene: NF2 (NF2, moesin-ezrin-radixin like (MERLIN) tumor suppressor; plus strand). Cytogenetic location: 22q12.2.
Variant type: single nucleotide variant.
Coding change: c.1249A>G on transcript NM_000268.4 (MANE Select); coding-DNA position 1249, A replaced by G.
Protein change: p.Ile417Val; replaces isoleucine 417 with valine.
Molecular consequence: missense variant. On other transcripts: intron variant (1).
Genome position (GRCh38, 1-based): chr22:29,673,395, A>G. VCF-style: chr22-29673395-A-G. GRCh37 (hg19) VCF-style: chr22-30069384-A-G.
Other names: c.1114A>G, p.Ile372Val (NM_001407057.1, NM_001407059.1); c.1126A>G, p.Ile376Val (NM_001407058.1, NM_181829.3, NM_001407054.1); c.1249A>G, p.Ile417Val (NM_001407060.1, NM_001407066.1, NM_016418.5 and 2 more transcripts); c.991A>G, p.Ile331Val (NM_001407062.1); c.1000A>G, p.Ile334Val (NM_001407063.1, NM_001407064.1, NM_181830.3 and 1 more transcripts); c.715A>G, p.Ile239Val (NM_001407065.1); c.1018A>G, p.Ile340Val (NM_001407067.1); c.1123A>G, p.Ile375Val (NM_181828.3, NM_001407055.1); and 2 more; short protein forms I331V, I340V, I372V, I379V, I417V, I239V, I376V, I334V.
Identifiers: ClinVar variation 5025706 (VCV005025706.1).

ClinVar aggregate classification (germline): Uncertain significance (1 of 4 stars; one submission).

Conditions:
Hereditary cancer-predisposing syndrome. Also called: Neoplastic Syndromes, Hereditary; Tumor predisposition; Hereditary neoplastic syndrome; Hereditary Cancer Syndrome. Identifiers: Orphanet 140162, MedGen C0027672, MeSH D009386, MONDO:0015356.

Submission:

Ambry Genetics
Classification: Uncertain significance for Hereditary cancer-predisposing syndrome. Last evaluated: 2026-07-30. Review status: criteria provided, single submitter. Criteria: Ambry Variant Classification Scheme 2023. Collection method: clinical testing. Allele origin: germline.
Comment: The p.I417V variant (also known as c.1249A>G), located in coding exon 12 of the NF2 gene, results from an A to G substitution at nucleotide position 1249. The isoleucine at codon 417 is replaced by valine, an amino acid with highly similar properties. This amino acid position is conserved. In addition, the in silico prediction for this alteration is inconclusive. Based on the available evidence, the clinical significance of this variant remains unclear.